The following is an entry in ClinVar:

NM_001114753.3(ENG):c.1058A>G (p.Glu353Gly)

Gene: ENG (endoglin; minus strand). Cytogenetic location: 9q34.11.
Variant type: single nucleotide variant.
Coding change: c.1058A>G on transcript NM_001114753.3 (MANE Select); coding-DNA position 1058, A replaced by G.
Protein change: p.Glu353Gly; replaces glutamic acid 353 with glycine.
Molecular consequence: missense variant.
Genome position (GRCh38, 1-based): chr9:127,824,380, T>C on the plus strand (A>G on the coding strand, the complement: ENG is on the minus strand). VCF-style: chr9-127824380-T-C. GRCh37 (hg19) VCF-style: chr9-130586659-T-C.
Other names: c.1058A>G, p.Glu353Gly (NM_000118.4, NM_001406715.1); c.512A>G, p.Glu171Gly (NM_001278138.2); c.1058A>G (NM_001114753.1); short protein forms E171G, E353G.
Identifiers: ClinVar variation 1326541 (VCV001326541.6), dbSNP rs868730895, ClinGen allele CA200312628.

ClinVar aggregate classification (germline): Uncertain significance. Review status: criteria provided, multiple submitters, no conflicts (2 of 4 stars). 2 submissions from 2 submitters: Uncertain significance (2). Last evaluated 2023-07-07.

Conditions:
Cardiovascular phenotype. Identifiers: MedGen CN230736.

Allele frequency attached by ClinVar (database versions not stated): gnomAD exomes below 0.00001; gnomAD 0.00001; TOPMed 0.00001.
gnomAD v4.1: 3 of 1,613,980 alleles (0.00019%); highest among the groups gnomAD compares: African/African-American, 0.004%; no homozygotes.

Submissions (2):

Ambry Genetics
Classification: Uncertain significance for Cardiovascular phenotype. Last evaluated: 2023-07-07. Review status: criteria provided, single submitter. Criteria: Ambry Variant Classification Scheme 2023. Collection method: clinical testing. Allele origin: germline.
Comment: The p.E353G variant (also known as c.1058A>G), located in coding exon 8 of the ENG gene, results from an A to G substitution at nucleotide position 1058. The glutamic acid at codon 353 is replaced by glycine, an amino acid with similar properties. This amino acid position is not well conserved in available vertebrate species. In addition, this alteration is predicted to be tolerated by in silico analysis. Since supporting evidence is limited at this time, the clinical significance of this alteration remains unclear.

GeneDx
Classification: Uncertain significance. Last evaluated: 2021-11-24. Review status: criteria provided, single submitter. Criteria: GeneDx Variant Classification Process June 2021. Collection method: clinical testing. Allele origin: germline. Affected: yes.
Comment: Has not been previously published as pathogenic or benign to our knowledge; Not observed at significant frequency in large population cohorts (Lek et al., 2016); In silico analysis supports that this missense variant does not alter protein structure/function